The following is an entry in ClinVar:

ClinVar aggregate classification (germline): Uncertain significance (1 of 4 stars; one submission).

Submission:

Labcorp Genetics (formerly Invitae), Labcorp
Classification: Uncertain significance. Last evaluated: 2025-03-10. Review status: criteria provided, single submitter. Criteria: Invitae Variant Classification Sherloc (09022015). Collection method: clinical testing. Allele origin: germline.
Comment: This sequence change replaces threonine, which is neutral and polar, with alanine, which is neutral and non-polar, at codon 586 of the COL9A3 protein (p.Thr586Ala). This variant is not present in population databases (gnomAD no frequency). This variant has not been reported in the literature in individuals affected with COL9A3-related conditions. Invitae Evidence Modeling of protein sequence and biophysical properties (such as structural, functional, and spatial information, amino acid conservation, physicochemical variation, residue mobility, and thermodynamic stability) indicates that this missense variant is not expected to disrupt COL9A3 protein function with a negative predictive value of 95%. In summary, the available evidence is currently insufficient to determine the role of this variant in disease. Therefore, it has been classified as a Variant of Uncertain Significance.

NM_001853.4(COL9A3):c.1756A>G (p.Thr586Ala)

Gene: COL9A3 (collagen type IX alpha 3 chain; plus strand). Cytogenetic location: 20q13.33.
Variant type: single nucleotide variant.
Coding change: c.1756A>G on transcript NM_001853.4 (MANE Select); coding-DNA position 1756, A replaced by G.
Protein change: p.Thr586Ala; replaces threonine 586 with alanine.
Molecular consequence: missense variant.
Genome position (GRCh38, 1-based): chr20:62,837,235, A>G. VCF-style: chr20-62837235-A-G. GRCh37 (hg19) VCF-style: chr20-61468587-A-G.
Other names: short protein forms T586A.
Identifiers: ClinVar variation 4803149 (VCV004803149.1).